The following is an entry in ClinVar:

NM_002839.4(PTPRD):c.3234G>T (p.Glu1078Asp)

Gene: PTPRD (protein tyrosine phosphatase receptor type D; minus strand). Cytogenetic location: 9p24.1.
Variant type: single nucleotide variant.
Coding change: c.3234G>T on transcript NM_002839.4 (MANE Select); coding-DNA position 3234, G replaced by T.
Protein change: p.Glu1078Asp; replaces glutamic acid 1078 with aspartic acid.
Molecular consequence: missense variant.
Genome position (GRCh38, 1-based): chr9:8,484,298, C>A on the plus strand (G>T on the coding strand, the complement: PTPRD is on the minus strand). VCF-style: chr9-8484298-C-A. GRCh37 (hg19) VCF-style: chr9-8484298-C-A.
Other names: c.1992G>T, p.Glu664Asp (NM_001040712.2); c.1971G>T, p.Glu657Asp (NM_001171025.2); c.1983G>T, p.Glu661Asp (NM_001377946.1); c.1995G>T, p.Glu665Asp (NM_001377947.1); c.3237G>T, p.Glu1079Asp (NM_001377958.1); c.3234G>T, p.Glu1078Asp (NM_001378058.1); c.2001G>T, p.Glu667Asp (NM_130391.4, NM_130392.3); c.1986G>T, p.Glu662Asp (NM_130393.3); short protein forms E1078D, E1079D, E657D, E661D, E662D, E664D, E665D, E667D.
Identifiers: ClinVar variation 3052584 (VCV003052584.2), dbSNP rs7869444, ClinGen allele CA4983869.

ClinVar aggregate classification (germline): Benign (0 of 4 stars; one submission).

Conditions:
PTPRD-related disorder. Also called: PTPRD-related condition.

Allele frequency attached by ClinVar (database versions not stated): gnomAD exomes 0.00080; gnomAD 0.00797; ESP Exome Variant Server 0.00800; TOPMed 0.00876; 1000 Genomes Project 0.00919; 1000 Genomes Project 30x 0.00968.
gnomAD v4.1: 2,444 of 1,614,078 alleles (0.15%); highest among the groups gnomAD compares: African/African-American, 2.7%; 25 homozygotes.

Submission:

PreventionGenetics, part of Exact Sciences
Classification: Benign for PTPRD-related condition. Last evaluated: 2019-03-11. Review status: no assertion criteria provided. Collection method: clinical testing. Allele origin: germline.
Comment: This variant is classified as benign based on ACMG/AMP sequence variant interpretation guidelines (Richards et al. 2015 PMID: 25741868, with internal and published modifications).